The following is an entry in ClinVar:

ClinVar aggregate classification (germline): Uncertain significance (1 of 4 stars; one submission).

Submission:

Labcorp Genetics (formerly Invitae), Labcorp
Classification: Uncertain significance. Last evaluated: 2025-11-27. Review status: criteria provided, single submitter. Criteria: Invitae Variant Classification Sherloc (09022015). Collection method: clinical testing. Allele origin: germline.
Comment: This sequence change replaces threonine, which is neutral and polar, with alanine, which is neutral and non-polar, at codon 2086 of the VCAN protein (p.Thr2086Ala). This variant is not present in population databases (gnomAD no frequency). This variant has not been reported in the literature in individuals affected with VCAN-related conditions. ClinVar contains an entry for this variant (Variation ID: 1434775). An algorithm developed to predict the effect of missense changes on protein structure and function outputs the following: PolyPhen-2: "Benign". The alanine amino acid residue is found in multiple mammalian species, which suggests that this missense change does not adversely affect protein function. In summary, the available evidence is currently insufficient to determine the role of this variant in disease. Therefore, it has been classified as a Variant of Uncertain Significance.

NM_004385.5(VCAN):c.6256A>G (p.Thr2086Ala)

Genes: VCAN (versican; plus strand), VCAN-AS1 (VCAN antisense RNA 1; minus strand). Cytogenetic location: 5q14.3.
Variant type: single nucleotide variant.
Coding change: c.6256A>G on transcript NM_004385.5 (MANE Select); coding-DNA position 6256, A replaced by G.
Protein change: p.Thr2086Ala; replaces threonine 2086 with alanine.
Molecular consequence: missense variant. On other transcripts: intron variant (2).
Genome position (GRCh38, 1-based): chr5:83,539,259, A>G. VCF-style: chr5-83539259-A-G. GRCh37 (hg19) VCF-style: chr5-82835078-A-G.
Other names: c.3295A>G, p.Thr1099Ala (NM_001164097.2); c.4004-6278A>G (NM_001164098.2); c.1043-6278A>G (NM_001126336.3); short protein forms T2086A, T1099A.
Identifiers: ClinVar variation 1434775 (VCV001434775.8), dbSNP rs2112444434, ClinGen allele CA360312144.